The following is an entry in ClinVar:

ClinVar aggregate classification (germline): Conflicting classifications of pathogenicity. Review status: criteria provided, conflicting classifications (1 of 4 stars). 5 submissions from 5 submitters: Uncertain significance (1); Benign (1); Likely benign (3). Last evaluated 2025-12-20.

Conditions:
Familial sleep-related hypermotor epilepsy. Also called: Autosomal Dominant Sleep-Related Hypermotor (Hyperkinetic) Epilepsy. Identifiers: Orphanet 98784, MedGen C3696898, MONDO:0000030.
Inborn genetic diseases. Identifiers: MedGen C0950123, MeSH D030342.

Allele frequency attached by ClinVar (database versions not stated): TOPMed 0.00005; 1000 Genomes Project 0.00040; 1000 Genomes Project 30x 0.00047.
gnomAD v4.1: 128 of 1,612,898 alleles (0.0079%); highest among the groups gnomAD compares: South Asian, 0.07%; no homozygotes.

Submissions (5):

Labcorp Genetics (formerly Invitae), Labcorp
Classification: Likely benign. Last evaluated: 2025-12-20. Review status: criteria provided, single submitter. Criteria: Invitae Variant Classification Sherloc (09022015). Collection method: clinical testing. Allele origin: germline.

CeGaT Center for Human Genetics Tuebingen
Classification: Benign. Last evaluated: 2025-11-01. Review status: criteria provided, single submitter. Criteria: CeGaT Center For Human Genetics Tuebingen Variant Classification Criteria Version 2. Collection method: clinical testing. Allele origin: germline. Affected: yes. Observed: 2 variant alleles.
Comment: CHRNA4: BS1, BS2

Ambry Genetics
Classification: Likely benign for Inborn genetic diseases. Last evaluated: 2025-04-25. Review status: criteria provided, single submitter. Criteria: Ambry Variant Classification Scheme 2023. Collection method: clinical testing. Allele origin: germline.

Blueprint Genetics
Classification: Likely benign. Last evaluated: 2024-06-20. Review status: criteria provided, single submitter. Criteria: ACMG Guidelines, 2015. Collection method: clinical testing. Allele origin: germline.

GeneDx
Classification: Uncertain significance. Last evaluated: 2016-04-27. Review status: criteria provided, single submitter. Criteria: GeneDx Variant Classification (06012015). Collection method: clinical testing. Allele origin: germline. Affected: yes.
Comment: The D576H variant has not been published as a pathogenic variant, nor has it been reported as a benign variant to our knowledge. It was not observed in approximately 6,500 individuals of European and African American ancestry in the NHLBI Exome Sequencing Project, but the 1000 Genomes Project reports D576H was observed in 2/172 (1.2%) alleles from individuals of Bengali background, indicating it may be a rare (benign) variant in this population. The D576H variant is a non-conservative amino acid substitution, which is likely to impact secondary protein structure as these residues differ in polarity, charge, size and/or other properties. This substitution occurs at a position that is conserved in mammals. However, this amino acid substitution is not predicted to occur within the transmembrane region of the protein, where the vast majority of pathogenic missense variants have been identified in association with epilepsy (Steinlein et al., 2010). In silico analysis is inconsistent in its predictions as to whether or not the variant is damaging to the protein structure/function. Therefore, based on the currently available information, it is unclear whether this variant is a pathogenic variant or a rare benign variant.

NM_000744.7(CHRNA4):c.1726G>C (p.Asp576His)

Gene: CHRNA4 (cholinergic receptor nicotinic alpha 4 subunit; minus strand). Cytogenetic location: 20q13.33.
Variant type: single nucleotide variant.
Coding change: c.1726G>C on transcript NM_000744.7 (MANE Select); coding-DNA position 1726, G replaced by C.
Protein change: p.Asp576His; replaces aspartic acid 576 with histidine.
Molecular consequence: missense variant. On other transcripts: non-coding transcript variant (1).
Genome position (GRCh38, 1-based): chr20:63,349,685, C>G on the plus strand (G>C on the coding strand, the complement: CHRNA4 is on the minus strand). VCF-style: chr20-63349685-C-G. GRCh37 (hg19) VCF-style: chr20-61981037-C-G.
Other names: p.D576H:GAC>CAC; c.1198G>C, p.Asp400His (NM_001256573.2); short protein forms D576H, D400H.
Identifiers: ClinVar variation 205038 (VCV000205038.35), dbSNP rs537904499, ClinGen allele CA313595.